The following is an entry in ClinVar:

ClinVar aggregate classification (germline): Likely benign (1 of 4 stars; one submission).

Conditions:
Colorectal cancer, susceptibility to, 12 (CRCS12). Also called: COLORECTAL CANCER, SUSCEPTIBILITY TO, ON CHROMOSOME 12q24. Identifiers: Orphanet 220460, MedGen C3554460, MONDO:0014038, OMIM 615083.

Submission:

Myriad Genetics, Inc.
Classification: Likely benign for Colorectal cancer, susceptibility to, 12. Last evaluated: 2025-02-10. Review status: criteria provided, single submitter. Criteria: Myriad Autosomal Dominant, Autosomal Recessive and X-Linked Classification Criteria (2023). Collection method: clinical testing. Allele origin: unknown.
Comment: This variant is considered likely benign. This variant is intronic and is not expected to impact mRNA splicing.

NM_006231.4(POLE):c.1227-9T>C

Gene: POLE (DNA polymerase epsilon, catalytic subunit; minus strand). Cytogenetic location: 12q24.33.
Variant type: single nucleotide variant.
Coding change: c.1227-9T>C on transcript NM_006231.4 (MANE Select); 9 bases into the intron before coding-DNA position 1227, T replaced by C.
Molecular consequence: intron variant.
Genome position (GRCh38, 1-based): chr12:132,673,716, A>G on the plus strand (T>C on the coding strand, the complement: POLE is on the minus strand). VCF-style: chr12-132673716-A-G. GRCh37 (hg19) VCF-style: chr12-133250302-A-G.
Identifiers: ClinVar variation 3904133 (VCV003904133.1).
Genomic context (GRCh38, chr12:132,673,716, plus strand): 5'-CGCCTTGAGATTATGACTGCCCACAGGAAGGTAACTGTCCCTCTTCACCCACCTGGAAGG[A>G]GAATGAGAACAGAAGCCAGGATGATTCTAACATGCAGCCCGGGAACCCCTGAGAACTGGC-3'